The following is an entry in ClinVar:

NM_001348800.3(ZBTB20):c.732C>T (p.Tyr244=)

Gene: ZBTB20 (zinc finger and BTB domain containing 20; minus strand). Cytogenetic location: 3q13.31.
Variant type: single nucleotide variant.
Coding change: c.732C>T on transcript NM_001348800.3 (MANE Select); coding-DNA position 732, C replaced by T.
Protein change: p.Tyr244=; no amino-acid change (tyrosine 244 retained).
Molecular consequence: synonymous variant.
Genome position (GRCh38, 1-based): chr3:114,351,346, G>A on the plus strand (C>T on the coding strand, the complement: ZBTB20 is on the minus strand). VCF-style: chr3-114351346-G-A. GRCh37 (hg19) VCF-style: chr3-114070193-G-A.
Other names: c.732C>T, p.Tyr244= (NM_001164342.2, NM_001348803.3, NM_001393393.1 and 1 more transcripts); c.513C>T, p.Tyr171= (NM_001164343.2, NM_001164344.4, NM_001164345.4 and 9 more transcripts).
Identifiers: ClinVar variation 1653363 (VCV001653363.9), dbSNP rs776089645, ClinGen allele CA2551393.
Genomic context (GRCh38, chr3:114,351,346, plus strand): 5'-GCCGCTGTAAAAAGAGCGCTCGCCGCTGCCATTCTGCATGGAGCACGCGTAGAGTGCCGA[G>A]TAGATCCTGTCCACGCTGTGCTGTGGGTGGCTCTGCAGGTAGCCCGACTCCGTGTCGCTG-3'
Protein context (NP_001335729.1, residues 234-254): SHPQHSVDRI[Tyr244=]SALYACSMQN

ClinVar aggregate classification (germline): Likely benign. Review status: criteria provided, multiple submitters, no conflicts (2 of 4 stars). 2 submissions from 2 submitters: Likely benign (2). Last evaluated 2026-09-01.

Allele frequency attached by ClinVar (database versions not stated): ExAC 0.00001; gnomAD exomes 0.00001 and 0.00004; gnomAD 0.00002; TOPMed 0.00006.
gnomAD v4.1: 18 of 1,609,776 alleles (0.0011%); highest among the groups gnomAD compares: Admixed American, 0.023%; no homozygotes.

Submissions (2):

CeGaT Center for Human Genetics Tuebingen
Classification: Likely benign. Last evaluated: 2026-09-01. Review status: criteria provided, single submitter. Criteria: CeGaT Center For Human Genetics Tuebingen Variant Classification Criteria Version 2. Collection method: clinical testing. Allele origin: germline. Affected: yes. Observed: 1 variant allele.
Comment: ZBTB20: BP4, BS2

Labcorp Genetics (formerly Invitae), Labcorp
Classification: Likely benign. Last evaluated: 2025-04-17. Review status: criteria provided, single submitter. Criteria: Invitae Variant Classification Sherloc (09022015). Collection method: clinical testing. Allele origin: germline.